The following is an entry in ClinVar:

ClinVar aggregate classification (germline): Likely benign. Review status: criteria provided, multiple submitters, no conflicts (2 of 4 stars). 2 submissions from 2 submitters: Likely benign (2). Last evaluated 2025-09-01.

gnomAD v4.1: 608 of 1,614,154 alleles (0.038%); highest among the groups gnomAD compares: African/African-American, 0.51%; 3 homozygotes.

Submissions (2):

CeGaT Center for Human Genetics Tuebingen
Classification: Likely benign. Last evaluated: 2025-09-01. Review status: criteria provided, single submitter. Criteria: CeGaT Center For Human Genetics Tuebingen Variant Classification Criteria Version 2. Collection method: clinical testing. Allele origin: germline. Affected: yes. Observed: 1 variant allele.
Comment: TMEM94: BP4, BP7

Blueprint Genetics
Classification: Likely benign. Last evaluated: 2024-10-24. Review status: criteria provided, single submitter. Criteria: ACMG Guidelines, 2015. Collection method: clinical testing. Allele origin: germline.

NM_014738.6(TMEM94):c.480G>A (p.Ala160=)

Gene: TMEM94 (transmembrane protein 94; plus strand). Cytogenetic location: 17q25.1.
Variant type: single nucleotide variant.
Coding change: c.480G>A on transcript NM_014738.6 (MANE Select); coding-DNA position 480, G replaced by A.
Protein change: p.Ala160=; no amino-acid change (alanine 160 retained).
Molecular consequence: synonymous variant.
Genome position (GRCh38, 1-based): chr17:75,488,002, G>A. VCF-style: chr17-75488002-G-A. GRCh37 (hg19) VCF-style: chr17-73484083-G-A.
Other names: c.510G>A, p.Ala170= (NM_001321148.2, NM_001351203.2, NM_001438843.1 and 1 more transcripts); c.480G>A, p.Ala160= (NM_001321149.2, NM_001351202.2, NM_001438841.1 and 5 more transcripts).
Identifiers: ClinVar variation 4280783 (VCV004280783.8).